The following is an entry in ClinVar:

NM_006648.4(WNK2):c.3280G>T (p.Ala1094Ser)

Gene: WNK2 (WNK lysine deficient protein kinase 2; plus strand). Cytogenetic location: 9q22.31.
Variant type: single nucleotide variant.
Coding change: c.3280G>T on transcript NM_006648.4 (MANE Select); coding-DNA position 3280, G replaced by T.
Protein change: p.Ala1094Ser; replaces alanine 1094 with serine.
Molecular consequence: missense variant.
Genome position (GRCh38, 1-based): chr9:93,262,027, G>T. VCF-style: chr9-93262027-G-T. GRCh37 (hg19) VCF-style: chr9-96024309-G-T.
Other names: c.3280G>T, p.Ala1094Ser (NM_001282394.3); short protein forms A1094S.
Identifiers: ClinVar variation 3817115 (VCV003817115.1).

ClinVar aggregate classification (germline): Uncertain significance (1 of 4 stars; one submission).

gnomAD v4.1: 48 of 1,611,160 alleles (0.003%); highest among the groups gnomAD compares: South Asian, 0.052%; no homozygotes.

Submission:

Ambry Genetics
Classification: Uncertain significance. Last evaluated: 2025-02-20. Review status: criteria provided, single submitter. Criteria: Ambry Variant Classification Scheme 2023. Collection method: clinical testing. Allele origin: germline.
Comment: The p.A1094S variant (also known as c.3280G>T), located in coding exon 12 of the WNK2 gene, results from a G to T substitution at nucleotide position 3280. The alanine at codon 1094 is replaced by serine, an amino acid with similar properties. This amino acid position is conserved. In addition, this alteration is predicted to be tolerated by in silico analysis. Based on the available evidence, the clinical significance of this variant remains unclear.